The following is an entry in ClinVar:

ClinVar aggregate classification (germline): Uncertain significance. Review status: criteria provided, multiple submitters, no conflicts (2 of 4 stars). 3 submissions from 3 submitters: Uncertain significance (3). Last evaluated 2025-11-24.

Conditions:
Inborn genetic diseases. Identifiers: MedGen C0950123, MeSH D030342.

Allele frequency attached by ClinVar (database versions not stated): ExAC 0.00001; gnomAD exomes below 0.00001; TOPMed 0.00001.
gnomAD v4.1: 3 of 1,614,182 alleles (0.00019%); highest among the groups gnomAD compares: African/African-American, 0.0013%; no homozygotes.

Submissions (3):

Ambry Genetics
Classification: Uncertain significance for Inborn genetic diseases. Last evaluated: 2025-11-24. Review status: criteria provided, single submitter. Criteria: Ambry Variant Classification Scheme 2023. Collection method: clinical testing. Allele origin: germline.

Labcorp Genetics (formerly Invitae), Labcorp
Classification: Uncertain significance. Last evaluated: 2019-12-05. Review status: criteria provided, single submitter. Criteria: Invitae Variant Classification Sherloc (09022015). Collection method: clinical testing. Allele origin: germline.
Comment: In summary, the available evidence is currently insufficient to determine the role of this variant in disease. Therefore, it has been classified as a Variant of Uncertain Significance. Algorithms developed to predict the effect of missense changes on protein structure and function (SIFT, PolyPhen-2, Align-GVGD) all suggest that this variant is likely to be tolerated, but these predictions have not been confirmed by published functional studies and their clinical significance is uncertain. This variant has not been reported in the literature in individuals with SLC25A12-related conditions. ClinVar contains an entry for this variant (Variation ID: 452173). This variant is present in population databases (rs761108884, ExAC 0.01%). This sequence change replaces valine with leucine at codon 674 of the SLC25A12 protein (p.Val674Leu). The valine residue is weakly conserved and there is a small physicochemical difference between valine and leucine.

GeneDx
Classification: Uncertain significance. Last evaluated: 2017-10-02. Review status: criteria provided, single submitter. Criteria: GeneDx Variant Classification (06012015). Collection method: clinical testing. Allele origin: germline. Affected: yes.
Comment: The V674L variant in the SLC25A12 gene has not been reported previously as a pathogenic variant, nor as a benign variant, to our knowledge. The V674L variant is not observed at a significant frequency in large population cohorts (Lek et al., 2016). The V674L variant is a conservative amino acid substitution, which is not likely to impact secondary protein structure as these residues share similar properties. This substitution occurs at a position that is not conserved, and in silico analysis predicts this variant likely does not alter the protein structure/function. We interpret V674L as a variant of uncertain significance.

NM_003705.5(SLC25A12):c.2020G>C (p.Val674Leu)

Gene: SLC25A12 (solute carrier family 25 member 12; minus strand). Cytogenetic location: 2q31.1.
Variant type: single nucleotide variant.
Coding change: c.2020G>C on transcript NM_003705.5 (MANE Select); coding-DNA position 2020, G replaced by C.
Protein change: p.Val674Leu; replaces valine 674 with leucine.
Molecular consequence: missense variant. On other transcripts: non-coding transcript variant (1).
Genome position (GRCh38, 1-based): chr2:171,785,291, C>G on the plus strand (G>C on the coding strand, the complement: SLC25A12 is on the minus strand). VCF-style: chr2-171785291-C-G. GRCh37 (hg19) VCF-style: chr2-172641801-C-G.
Other names: c.2020G>C (NM_003705.3); short protein forms V674L.
Identifiers: ClinVar variation 452173 (VCV000452173.10), dbSNP rs761108884, ClinGen allele CA1965984.
Genomic context (GRCh38, chr2:171,785,291, plus strand): 5'-CTTTCTTCAAGGCGCCATTTTGCCACACTCAACAGTTGTCTCATCACTGAGTGGCTGCCA[C>G]TGCTGCCTTTGGCTGAACCACAGCAACACTAGGAGACTTAAATTTCGGGAGATAAAGGCC-3'
Protein context (NP_003696.2, residues 664-678): SVAVVQPKAA[Val674Leu]AATQ